The following is an entry in ClinVar:

NM_002291.3(LAMB1):c.2359C>G (p.Pro787Ala)

Gene: LAMB1 (laminin subunit beta 1; minus strand). Cytogenetic location: 7q31.1.
Variant type: single nucleotide variant.
Coding change: c.2359C>G on transcript NM_002291.3 (MANE Select); coding-DNA position 2359, C replaced by G.
Protein change: p.Pro787Ala; replaces proline 787 with alanine.
Molecular consequence: missense variant.
Genome position (GRCh38, 1-based): chr7:107,959,790, G>C on the plus strand (C>G on the coding strand, the complement: LAMB1 is on the minus strand). VCF-style: chr7-107959790-G-C. GRCh37 (hg19) VCF-style: chr7-107600235-G-C.
Other names: short protein forms P787A.
Identifiers: ClinVar variation 3604346 (VCV003604346.2).

ClinVar aggregate classification (germline): Uncertain significance (1 of 4 stars; one submission).

gnomAD v4.1: 4 of 1,613,854 alleles (0.00025%); highest among the groups gnomAD compares: African/African-American, 0.004%; no homozygotes.

Submission:

Labcorp Genetics (formerly Invitae), Labcorp
Classification: Uncertain significance. Last evaluated: 2025-01-27. Review status: criteria provided, single submitter. Criteria: Invitae Variant Classification Sherloc (09022015). Collection method: clinical testing. Allele origin: germline.
Comment: This sequence change replaces proline, which is neutral and non-polar, with alanine, which is neutral and non-polar, at codon 787 of the LAMB1 protein (p.Pro787Ala). This variant is not present in population databases (gnomAD no frequency). This variant has not been reported in the literature in individuals affected with LAMB1-related conditions. An algorithm developed to predict the effect of missense changes on protein structure and function (PolyPhen-2) suggests that this variant is likely to be tolerated. In summary, the available evidence is currently insufficient to determine the role of this variant in disease. Therefore, it has been classified as a Variant of Uncertain Significance.